The following is an entry in ClinVar:

ClinVar aggregate classification (germline): Likely benign. Review status: criteria provided, multiple submitters, no conflicts (2 of 4 stars). 5 submissions from 5 submitters: Likely benign (5). Last evaluated 2026-05-20.

Conditions:
TTN-related disorder. Also called: TTN-related condition; TTN-related disease; TTN-related disorders.
Autosomal recessive limb-girdle muscular dystrophy type 2J (LGMDR10). Also called: Limb-girdle muscular dystrophy, type 2J; MUSCULAR DYSTROPHY, LIMB-GIRDLE, AUTOSOMAL RECESSIVE 10. Identifiers: Orphanet 140922, MedGen C1837342, MONDO:0012127, OMIM 608807.
Dilated cardiomyopathy 1G (CMD1G). Identifiers: Orphanet 154, MedGen C1858763, MONDO:0011400, OMIM 604145.
Cardiovascular phenotype. Identifiers: MedGen CN230736.

Allele frequency attached by ClinVar (database versions not stated): ExAC 0.00001; gnomAD exomes 0.00001 and 0.00002; ESP Exome Variant Server 0.00008.
gnomAD v4.1: 12 of 1,612,650 alleles (0.00074%); highest among the groups gnomAD compares: Non-Finnish European, 0.00093%; no homozygotes.

Submissions (5):

PreventionGenetics, part of Exact Sciences
Classification: Likely benign for TTN-related condition. Last evaluated: 2026-05-20. Review status: criteria provided, single submitter. Criteria: ACMG Guidelines, 2015. Collection method: clinical testing. Allele origin: germline.
Comment: This variant is classified as likely benign based on ACMG/AMP sequence variant interpretation guidelines (Richards et al. 2015 PMID: 25741868, with internal and published modifications).

Labcorp Genetics (formerly Invitae), Labcorp
Classification: Likely benign for Dilated cardiomyopathy 1G; Autosomal recessive limb-girdle muscular dystrophy type 2J. Last evaluated: 2026-01-28. Review status: criteria provided, single submitter. Criteria: Invitae Variant Classification Sherloc (09022015). Collection method: clinical testing. Allele origin: germline.

Molecular Diagnostic Laboratory for Inherited Cardiovascular Disease, Montreal Heart Institute
Classification: Likely benign. Last evaluated: 2025-04-09. Review status: criteria provided, single submitter. Criteria: ACMG Guidelines, 2015. Collection method: clinical testing. Allele origin: germline. Affected: no.

Ambry Genetics
Classification: Likely benign for Cardiovascular phenotype. Last evaluated: 2022-10-02. Review status: criteria provided, single submitter. Criteria: Ambry Variant Classification Scheme 2023. Collection method: clinical testing. Allele origin: germline.

Blueprint Genetics
Classification: Likely benign. Last evaluated: 2022-09-02. Review status: criteria provided, single submitter. Criteria: ACMG Guidelines, 2015. Collection method: clinical testing. Allele origin: germline.

NM_001267550.2(TTN):c.49461T>A (p.Val16487=)

Genes: TTN (titin; minus strand), TTN-AS1 (TTN antisense RNA 1; plus strand). Cytogenetic location: 2q31.2.
Variant type: single nucleotide variant.
Coding change: c.49461T>A on transcript NM_001267550.2 (MANE Select); coding-DNA position 49461, T replaced by A.
Protein change: p.Val16487=; no amino-acid change (valine 16487 retained).
Molecular consequence: synonymous variant.
Genome position (GRCh38, 1-based): chr2:178,613,822, A>T on the plus strand (T>A on the coding strand, the complement: TTN is on the minus strand). VCF-style: chr2-178613822-A-T. GRCh37 (hg19) VCF-style: chr2-179478549-A-T.
Other names: c.44538T>A, p.Val14846= (NM_001256850.1); c.22266T>A, p.Val7422= (NM_003319.4); c.41757T>A, p.Val13919= (NM_133378.4); c.22641T>A, p.Val7547= (NM_133432.3); c.22842T>A, p.Val7614= (NM_133437.4).
Identifiers: ClinVar variation 1146372 (VCV001146372.14), dbSNP rs377080500, ClinGen allele CA1994595.